The following is an entry in ClinVar:

ClinVar aggregate classification (germline): Uncertain significance (1 of 4 stars; one submission).

Conditions:
Emery-Dreifuss muscular dystrophy (EDMD). Also called: Scapuloperoneal syndrome, X-linked (formerly); Humeroperoneal neuromuscular disease, (formerly). Identifiers: Orphanet 261, MedGen C0410189, MONDO:0016830.

Allele frequency attached by ClinVar (database versions not stated): gnomAD exomes below 0.00001.
gnomAD v4.1: 1 of 1,614,076 alleles (0.000062%); highest among the groups gnomAD compares: Non-Finnish European, 0.000085%; no homozygotes.

Submission:

Labcorp Genetics (formerly Invitae), Labcorp
Classification: Uncertain significance for Emery-Dreifuss muscular dystrophy. Last evaluated: 2020-12-29. Review status: criteria provided, single submitter. Criteria: Invitae Variant Classification Sherloc (09022015). Collection method: clinical testing. Allele origin: germline.
Comment: In summary, the available evidence is currently insufficient to determine the role of this variant in disease. Therefore, it has been classified as a Variant of Uncertain Significance. Algorithms developed to predict the effect of missense changes on protein structure and function (SIFT, PolyPhen-2, Align-GVGD) all suggest that this variant is likely to be tolerated, but these predictions have not been confirmed by published functional studies and their clinical significance is uncertain. This variant has not been reported in the literature in individuals with SUN1-related conditions. This variant is not present in population databases (ExAC no frequency). This sequence change replaces proline with threonine at codon 202 of the SUN1 protein (p.Pro202Thr). The proline residue is weakly conserved and there is a small physicochemical difference between proline and threonine.

NM_001130965.3(SUN1):c.604C>A (p.Pro202Thr)

Gene: SUN1 (Sad1 and UNC84 domain containing 1; plus strand). Cytogenetic location: 7p22.3.
Variant type: single nucleotide variant.
Coding change: c.604C>A on transcript NM_001130965.3 (MANE Select); coding-DNA position 604, C replaced by A.
Protein change: p.Pro202Thr; replaces proline 202 with threonine.
Molecular consequence: missense variant. On other transcripts: synonymous variant (1), 5 prime UTR variant (1), non-coding transcript variant (3), intron variant (1).
Genome position (GRCh38, 1-based): chr7:843,466, C>A. VCF-style: chr7-843466-C-A. GRCh37 (hg19) VCF-style: chr7-883103-C-A.
Other names: c.604C>A, p.Pro202Thr (NM_001367683.1, NM_001367685.1, NM_001367687.1 and 32 more transcripts); c.454C>A, p.Pro152Thr (NM_001367684.1, NM_001367686.1, NM_001367689.1 and 23 more transcripts); c.667C>A, p.Pro223Thr (NM_001171945.2); c.147C>A, p.Thr49= (NM_001367635.1); c.37C>A, p.Pro13Thr (NM_001367639.1, NM_001367708.1); c.823C>A, p.Pro275Thr (NM_001367651.1); c.-158C>A (NM_001367658.1); c.631C>A, p.Pro211Thr (NM_001367669.1); and 2 more; short protein forms P13T, P202T, P223T, P139T, P152T, P211T, P275T.
Identifiers: ClinVar variation 1498880 (VCV001498880.8), dbSNP rs2128306216, ClinGen allele CA366548666.